The following is an entry in ClinVar:

NM_016038.4(SBDS):c.23dup (p.Asn8fs)

Gene: SBDS (SBDS ribosome maturation factor; minus strand). Cytogenetic location: 7q11.21.
Variant type: Duplication.
Coding change: c.23dup on transcript NM_016038.4 (MANE Select); coding-DNA position 23, one base duplicated (A; older notation c.23dupA).
Protein change: p.Asn8fs; shifts the reading frame from asparagine 8.
Molecular consequence: frameshift variant.
Genome position (GRCh38, 1-based): chr7:66,995,395, T duplicated on the plus strand (A on the coding strand, the reverse complement: SBDS is on the minus strand); the first of 2 consecutive T bases (chr7:66,995,395-66,995,396); duplicating either gives the same sequence. VCF-style (leftmost placement, unchanged base first): chr7-66995394-G-GT. GRCh37 (hg19) VCF-style: chr7-66460381-G-GT.
Other names: c.23dup (LRG_104t1, NM_016038.2); c.23dupA (NM_016038.2); short protein forms N8fs.
Identifiers: ClinVar variation 430033 (VCV000430033.3), dbSNP rs771720952, ClinGen allele CA645369400.

ClinVar aggregate classification (germline): Likely pathogenic (1 of 4 stars; one submission).

Submission:

GeneDx
Classification: Likely pathogenic. Last evaluated: 2024-05-23. Review status: criteria provided, single submitter. Criteria: GeneDx Variant Classification Process June 2021. Collection method: clinical testing. Allele origin: germline. Affected: yes.
Comment: Frameshift variant predicted to result in protein truncation or nonsense mediated decay in a gene for which loss of function is a known mechanism of disease; Not observed at significant frequency in large population cohorts (gnomAD); Has not been previously published as pathogenic or benign to our knowledge